The following is an entry in ClinVar:

NM_000178.4(GSS):c.275+20T>G

Gene: GSS (glutathione synthetase; minus strand). Cytogenetic location: 20q11.22.
Variant type: single nucleotide variant.
Coding change: c.275+20T>G on transcript NM_000178.4 (MANE Select); 20 bases into the intron after coding-DNA position 275, T replaced by G.
Molecular consequence: intron variant.
Genome position (GRCh38, 1-based): chr20:34,945,933, A>C on the plus strand (T>G on the coding strand, the complement: GSS is on the minus strand). VCF-style: chr20-34945933-A-C. GRCh37 (hg19) VCF-style: chr20-33533736-A-C.
Other names: c.275+20T>G (LRG_1168t1, NM_001322494.1, NM_001322495.1).
Identifiers: ClinVar variation 255474 (VCV000255474.35), dbSNP rs734111, ClinGen allele CA9826139.

ClinVar aggregate classification (germline): Benign/Likely benign. Review status: criteria provided, multiple submitters, no conflicts (2 of 4 stars). 11 submissions from 10 submitters: Benign (8); Likely benign (1). 2 of the submissions do not count toward it. Last evaluated 2026-02-04.

Conditions:
Glutathione synthetase deficiency with 5-oxoprolinuria. Also called: 5-OXOPROLINURIA DUE TO GLUTATHIONE SYNTHETASE DEFICIENCY; PYROGLUTAMIC ACIDURIA; 5-Oxoprolinuria; Gluthathione synthetase deficiency; Reduced glutathione synthetase level. Identifiers: Orphanet 289846, MedGen C0398746, MONDO:0009947, OMIM 266130, HP:0003343.
Glutathione synthetase deficiency without 5-oxoprolinuria. Also called: ANEMIA, CONGENITAL, NONSPHEROCYTIC HEMOLYTIC, 6. Identifiers: Orphanet 289849, Orphanet 32, MedGen C1856399, MONDO:0009284, OMIM 231900.

Allele frequency attached by ClinVar (database versions not stated): 1000 Genomes Project 0.66434; TOPMed 0.66780; 1000 Genomes Project 30x 0.66958; gnomAD 0.67794 and 0.68215; ESP Exome Variant Server 0.70537.
gnomAD v4.1: 1,008,800 of 1,611,838 alleles (63%); highest among the groups gnomAD compares: African/African-American, 91%; 323,151 homozygotes.

Submissions (11):

Labcorp Genetics (formerly Invitae), Labcorp
Classification: Benign for Glutathione synthetase deficiency with 5-oxoprolinuria. Last evaluated: 2026-02-04. Review status: criteria provided, single submitter. Criteria: Invitae Variant Classification Sherloc (09022015). Collection method: clinical testing. Allele origin: germline.

ARUP Laboratories, Molecular Genetics and Genomics, ARUP Laboratories
Classification: Benign. Last evaluated: 2025-07-31. Review status: criteria provided, single submitter. Criteria: ARUP Molecular Germline Variant Investigation Process 2024. Collection method: clinical testing. Allele origin: germline.

Blueprint Genetics
Classification: Likely benign. Last evaluated: 2024-11-28. Review status: criteria provided, single submitter. Criteria: ACMG Guidelines, 2015. Collection method: clinical testing. Allele origin: germline.

Genome-Nilou Lab
Classification: Benign for Glutathione synthetase deficiency with 5-oxoprolinuria. Last evaluated: 2021-08-10. Review status: criteria provided, single submitter. Criteria: ACMG Guidelines, 2015. Collection method: clinical testing. Allele origin: germline. Affected: no.

Genome-Nilou Lab
Classification: Benign for Glutathione synthetase deficiency without 5-oxoprolinuria. Last evaluated: 2021-08-10. Review status: criteria provided, single submitter. Criteria: ACMG Guidelines, 2015. Collection method: clinical testing. Allele origin: germline. Affected: no.

Women's Health and Genetics/Laboratory Corporation of America, LabCorp
Classification: Benign. Last evaluated: 2017-01-23. Review status: criteria provided, single submitter. Criteria: LabCorp Variant Classification Summary - May 2015. Collection method: clinical testing. Allele origin: germline.
Comment: Variant summary: The GSS c.275+20T>G variant involves the alteration of a non-conserved intronic nucleotide. One in silico tool predicts a benign outcome for this variant. This variant was found in 75115/121240 control chromosomes (24686 homozygotes) in ExAC at a frequency of 0.6195563, and is present in as much as 91% in sub-populations (Africa), therefore indicating this variant is the major allele and is a benign polymorphism. In addition, at least one clinical diagnostic laboratory classified this variant as benign. Taken together, this variant is classified as benign.

GeneDx
Classification: Benign. Last evaluated: 2015-12-02. Review status: criteria provided, single submitter. Criteria: GeneDx Variant Classification (06012015). Collection method: clinical testing. Allele origin: germline. Affected: yes.
Comment: This variant is considered likely benign or benign based on one or more of the following criteria: it is a conservative change, it occurs at a poorly conserved position in the protein, it is predicted to be benign by multiple in silico algorithms, and/or has population frequency not consistent with disease.

Breakthrough Genomics
Classification: Benign. Review status: criteria provided, single submitter. Criteria: ACMG Guidelines, 2015. Collection method: not provided. Allele origin: germline. Inheritance: Autosomal recessive inheritance. Affected: yes.

PreventionGenetics, part of Exact Sciences
Classification: Benign. Review status: criteria provided, single submitter. Criteria: ACMG Guidelines, 2015. Collection method: clinical testing. Allele origin: germline.

Diagnostic Laboratory, Department of Genetics, University Medical Center Groningen
Classification: Benign. Review status: no assertion criteria provided. Collection method: clinical testing. Allele origin: germline. Affected: yes. Study: VKGL Data-share Consensus. Not counted in ClinVar's aggregate classification.

Joint Genome Diagnostic Labs from Nijmegen and Maastricht, Radboudumc and MUMC+
Classification: Benign. Review status: no assertion criteria provided. Collection method: clinical testing. Allele origin: germline. Affected: yes. Study: VKGL Data-share Consensus. Not counted in ClinVar's aggregate classification.